The following is an entry in ClinVar:

NM_170606.3(KMT2C):c.1813+1G>A

Gene: KMT2C (lysine methyltransferase 2C; minus strand). Cytogenetic location: 7q36.1.
Variant type: single nucleotide variant.
Coding change: c.1813+1G>A on transcript NM_170606.3 (MANE Select); the canonical splice donor site of the intron after coding-DNA position 1813, G replaced by A.
Molecular consequence: splice donor variant.
Genome position (GRCh38, 1-based): chr7:152,249,875, C>T on the plus strand (G>A on the coding strand, the complement: KMT2C is on the minus strand). VCF-style: chr7-152249875-C-T. GRCh37 (hg19) VCF-style: chr7-151946960-C-T.
Identifiers: ClinVar variation 1977257 (VCV001977257.5), dbSNP rs2129165452, ClinGen allele CA370083036.
Genomic context (GRCh38, chr7:152,249,875, plus strand): 5'-TTGGGATAAAGACATTATCTTGTAACTCAATCAAATTAGACAATATGAACATACTGCTTA[C>T]CAGCAATAAGAAGACTATCTGTGTCAAGACTTTCTGAGGGATGACTCTTCTGTTGCTCTT-3'

ClinVar aggregate classification (germline): Uncertain significance (1 of 4 stars; one submission).

Submission:

Labcorp Genetics (formerly Invitae), Labcorp
Classification: Uncertain significance. Last evaluated: 2022-02-08. Review status: criteria provided, single submitter. Criteria: Invitae Variant Classification Sherloc (09022015). Collection method: clinical testing. Allele origin: germline.
Comment: This sequence change affects a donor splice site in intron 13 of the KMT2C gene. It is expected to disrupt RNA splicing. Variants that disrupt the donor or acceptor splice site typically lead to a loss of protein function (PMID: 16199547), and loss-of-function variants in KMT2C are known to be pathogenic (PMID: 29069077). This variant is not present in population databases (gnomAD no frequency). This variant has not been reported in the literature in individuals affected with KMT2C-related conditions. Disruption of this splice site has been observed in at least one individual who was not affected with KMT2C-related conditions (Invitae). Algorithms developed to predict the effect of sequence changes on RNA splicing suggest that this variant may disrupt the consensus splice site. In summary, the available evidence is currently insufficient to determine the role of this variant in disease. Therefore, it has been classified as a Variant of Uncertain Significance.

Literature cited by the submitters: PubMed 16199547; PubMed 29069077.